The following is an entry in ClinVar:

ClinVar aggregate classification (germline): Likely pathogenic (1 of 4 stars; one submission).

Submission:

CeGaT Center for Human Genetics Tuebingen
Classification: Likely pathogenic. Last evaluated: 2022-04-01. Review status: criteria provided, single submitter. Criteria: CeGaT Center For Human Genetics Tuebingen Variant Classification Criteria Version 2. Collection method: clinical testing. Allele origin: germline. Affected: yes. Observed: 1 variant allele.
Comment: TOGARAM1: PVS1

NM_001308120.2(TOGARAM1):c.2338+1del

Gene: TOGARAM1 (TOG array regulator of axonemal microtubules 1; plus strand). Cytogenetic location: 14q21.2.
Variant type: Deletion.
Coding change: c.2338+1del on transcript NM_001308120.2 (MANE Select); the canonical splice donor site of the intron after coding-DNA position 2338, one base deleted (G; older notation c.2338+1delG).
Molecular consequence: splice donor variant.
Genome position (GRCh38, 1-based): chr14:44,999,498, G deleted; the last of 2 consecutive G bases (chr14:44,999,497-44,999,498); deleting either gives the same sequence. VCF-style (leftmost placement, unchanged base first): chr14-44999496-AG-A. GRCh37 (hg19) VCF-style: chr14-45468699-AG-A.
Other names: c.2338+1del (NM_015091.4).
Identifiers: ClinVar variation 2644203 (VCV002644203.24), dbSNP rs970839121, ClinGen allele CA259594005.
Genomic context (GRCh38, chr14:44,999,496, plus strand): 5'-AACTGGCAGTGTGGGTTCTGACTTACAATTCCTAGGGACAACTAGCAGTCATCAAGAAAA[AG>A]GTATAAGTTCCAAATTTACTTGGAAACAAATGACTTATAAATATTATGTGGGGATTCCAA-3'